The following is an entry in ClinVar:

ClinVar aggregate classification (germline): Uncertain significance (1 of 4 stars; one submission).

Conditions:
Ellis-van Creveld syndrome (EVC). Also called: Chondroectodermal dysplasia; EVC-Related Ellis-van Creveld Syndrome; EVC2-Related Ellis-van Creveld Syndrome; MESOECTODERMAL DYSPLASIA. Identifiers: Orphanet 289, MedGen C0013903, MONDO:0009162, OMIM 225500.
Curry-Hall syndrome (WAD). Also called: WEYERS ACRODENTAL DYSOSTOSIS. Identifiers: Orphanet 952, MedGen C0457013, MONDO:0008673, OMIM 193530.

gnomAD v4.1: 2 of 1,614,056 alleles (0.00012%); highest among the groups gnomAD compares: Middle Eastern, 0.017%; no homozygotes.

Submission:

Labcorp Genetics (formerly Invitae), Labcorp
Classification: Uncertain significance for Curry-Hall syndrome; Ellis-van Creveld syndrome. Last evaluated: 2022-07-26. Review status: criteria provided, single submitter. Criteria: Invitae Variant Classification Sherloc (09022015). Collection method: clinical testing. Allele origin: germline.
Comment: This sequence change replaces isoleucine, which is neutral and non-polar, with methionine, which is neutral and non-polar, at codon 185 of the EVC2 protein (p.Ile185Met). This variant is not present in population databases (gnomAD no frequency). This variant has not been reported in the literature in individuals affected with EVC2-related conditions. ClinVar contains an entry for this variant (Variation ID: 1498364). Algorithms developed to predict the effect of missense changes on protein structure and function are either unavailable or do not agree on the potential impact of this missense change (SIFT: "Deleterious"; PolyPhen-2: "Benign"; Align-GVGD: "Class C0"). In summary, the available evidence is currently insufficient to determine the role of this variant in disease. Therefore, it has been classified as a Variant of Uncertain Significance.

NM_147127.5(EVC2):c.555A>G (p.Ile185Met)

Gene: EVC2 (EvC ciliary complex subunit 2; minus strand). Cytogenetic location: 4p16.2.
Variant type: single nucleotide variant.
Coding change: c.555A>G on transcript NM_147127.5 (MANE Select); coding-DNA position 555, A replaced by G.
Protein change: p.Ile185Met; replaces isoleucine 185 with methionine.
Molecular consequence: missense variant.
Genome position (GRCh38, 1-based): chr4:5,689,308, T>C on the plus strand (A>G on the coding strand, the complement: EVC2 is on the minus strand). VCF-style: chr4-5689308-T-C. GRCh37 (hg19) VCF-style: chr4-5691035-T-C.
Other names: c.315A>G, p.Ile105Met (NM_001166136.2); short protein forms I185M, I105M.
Identifiers: ClinVar variation 1498364 (VCV001498364.6), dbSNP rs2151731889, ClinGen allele CA356148641.